The following is an entry in ClinVar:

NC_000001.11:g.230710700A>G

Gene: AGT (angiotensinogen; minus strand). Cytogenetic location: 1q42.2.
Variant type: single nucleotide variant.
Genome position: GRCh38 VCF-style: chr1-230710700-A-G. GRCh37 (hg19) VCF-style: chr1-230846446-A-G.
Other names: NM_000029.3:c.151T>C; NM_000029.4:c.151T>C; p.Cys51Arg.
Identifiers: ClinVar variation 296088 (VCV000296088.19), dbSNP rs61731497, ClinGen allele CA1448371.

ClinVar aggregate classification (germline): Likely benign. Review status: criteria provided, multiple submitters, no conflicts (2 of 4 stars). 6 submissions from 6 submitters: Likely benign (4). 2 of the submissions do not count toward it. Last evaluated 2025-12-31.

Conditions:
AGT-related disorder. Also called: AGT-related condition.
Renal tubular dysgenesis. Also called: Renotubular dysgenesis. Identifiers: Orphanet 3033, MedGen C0266313, MONDO:0017609, HP:0008660.

Allele frequency attached by ClinVar (database versions not stated): 1000 Genomes Project 30x 0.00016; 1000 Genomes Project 0.00020; gnomAD 0.00106 and 0.00110; TOPMed 0.00111; gnomAD exomes 0.00160 and 0.00174; ESP Exome Variant Server 0.00192; ExAC 0.00195.
gnomAD v4.1: 2,702 of 1,614,166 alleles (0.17%); highest among the groups gnomAD compares: Non-Finnish European, 0.2%; 3 homozygotes.

Submissions (6):

Labcorp Genetics (formerly Invitae), Labcorp
Classification: Likely benign. Last evaluated: 2025-12-31. Review status: criteria provided, single submitter. Criteria: Invitae Variant Classification Sherloc (09022015). Collection method: clinical testing. Allele origin: germline.

Mayo Clinic Laboratories, Mayo Clinic
Classification: Likely benign. Last evaluated: 2025-09-25. Review status: criteria provided, single submitter. Criteria: ACMG Guidelines, 2015. Collection method: clinical testing. Allele origin: germline. Observed: 1 variant allele.

Illumina Laboratory Services, Illumina
Classification: Likely benign for Renal tubular dysgenesis of genetic origin. Last evaluated: 2018-01-13. Review status: criteria provided, single submitter. Criteria: ICSL Variant Classification Criteria 13 December 2019. Collection method: clinical testing. Allele origin: germline.
Comment: This variant was observed in the ICSL laboratory as part of a predisposition screen in an ostensibly healthy population. It had not been previously curated by ICSL or reported in the Human Gene Mutation Database (HGMD: prior to June 1st, 2018), and was therefore a candidate for classification through an automated scoring system. Utilizing variant allele frequency, disease prevalence and penetrance estimates, and inheritance mode, an automated score was calculated to assess if this variant is too frequent to cause the disease. Based on the score and internal cut-off values, a variant classified as likely benign is not then subjected to further curation. The score for this variant resulted in a classification of likely benign for this disease.

Breakthrough Genomics
Classification: Likely benign. Review status: criteria provided, single submitter. Criteria: ACMG Guidelines, 2015. Collection method: not provided. Allele origin: germline. Inheritance: Autosomal recessive inheritance. Affected: yes.

PreventionGenetics, part of Exact Sciences
Classification: Likely benign for AGT-related condition. Last evaluated: 2020-06-08. Review status: no assertion criteria provided. Collection method: clinical testing. Allele origin: germline. Not counted in ClinVar's aggregate classification.
Comment: This variant is classified as likely benign based on ACMG/AMP sequence variant interpretation guidelines (Richards et al. 2015 PMID: 25741868, with internal and published modifications).

Department of Pathology and Laboratory Medicine, Sinai Health System
Classification: Benign. Review status: no assertion criteria provided. Collection method: clinical testing. Allele origin: unknown. Affected: yes. Study: The Canadian Open Genetics Repository (COGR). Not counted in ClinVar's aggregate classification.
Comment: The AGT p.Cys51Arg variant was not identified in the literature nor was it identified in LOVD 3.0. The variant was identified in dbSNP (ID: rs61731497) and ClinVar (classified as uncertain significance by Illumina). The variant was identified in control databases in 439 of 282824 chromosomes (2 homozygous) at a frequency of 0.001552 increasing the likelihood this could be a low frequency benign variant (Genome Aggregation Database March 6, 2019, v2.1.1). The variant was observed in the following populations: European (non-Finnish) in 358 of 129162 chromosomes (freq: 0.002772), Other in 14 of 7222 chromosomes (freq: 0.001939), European (Finnish) in 39 of 25116 chromosomes (freq: 0.001553), Latino in 18 of 35430 chromosomes (freq: 0.000508), African in 9 of 24960 chromosomes (freq: 0.000361) and Ashkenazi Jewish in 1 of 10366 chromosomes (freq: 0.000096), but was not observed in the East Asian or South Asian populations. The p.Cys51 residue is conserved in mammals but not in more distantly related organisms, and four out of five computational analyses (PolyPhen-2, SIFT, AlignGVGD, BLOSUM, MutationTaster) suggest that the variant may impact the protein; however, this information is not predictive enough to assume pathogenicity. The variant occurs outside of the splicing consensus sequence and three of four in silico or computational prediction software programs (SpliceSiteFinder, MaxEntScan, NNSPLICE, GeneSplicer) do not predict a greater than 10% difference in splicing; this is not very predictive of pathogenicity. In summary, based on the above information this variant meets our laboratory's criteria to be classified as benign.

Literature cited by the submitters: PubMed 27639823 (cited by Mayo Clinic Laboratories, Mayo Clinic).